The following is an entry in ClinVar:

NM_018896.5(CACNA1G):c.6340A>T (p.Ile2114Phe)

Gene: CACNA1G (calcium voltage-gated channel subunit alpha1 G; plus strand). Cytogenetic location: 17q21.33.
Variant type: single nucleotide variant.
Coding change: c.6340A>T on transcript NM_018896.5 (MANE Select); coding-DNA position 6340, A replaced by T.
Protein change: p.Ile2114Phe; replaces isoleucine 2114 with phenylalanine.
Molecular consequence: missense variant. On other transcripts: non-coding transcript variant (5).
Genome position (GRCh38, 1-based): chr17:50,624,470, A>T. VCF-style: chr17-50624470-A-T. GRCh37 (hg19) VCF-style: chr17-48701831-A-T.
Other names: c.6151A>T, p.Ile2051Phe (NM_001256324.2); c.6082A>T, p.Ile2028Phe (NM_001256325.2); c.6070A>T, p.Ile2024Phe (NM_001256326.2); c.6040A>T, p.Ile2014Phe (NM_001256327.2); c.5986A>T, p.Ile1996Phe (NM_001256328.2); c.5959A>T, p.Ile1987Phe (NM_001256329.2, NM_198376.3, NM_198387.3); c.5926A>T, p.Ile1976Phe (NM_001256330.2); c.5905A>T, p.Ile1969Phe (NM_001256331.2); and 15 more; short protein forms I2114F, I2003F, I2024F, I2043F, I2069F, I2080F, I1964F, I1969F.
Identifiers: ClinVar variation 387679 (VCV000387679.3), dbSNP rs1057522864, ClinGen allele CA16607718.

ClinVar aggregate classification (germline): Uncertain significance (1 of 4 stars; one submission).

Submission:

GeneDx
Classification: Uncertain significance. Last evaluated: 2019-10-11. Review status: criteria provided, single submitter. Criteria: GeneDx Variant Classification Process June 2021. Collection method: clinical testing. Allele origin: germline. Affected: yes.
Comment: Not observed in large population cohorts (Lek et al., 2016); In silico analysis, which includes protein predictors and evolutionary conservation, supports that this variant does not alter protein structure/function; Has not been previously published as pathogenic or benign to our knowledge